The following is an entry in ClinVar:

NM_001369.3(DNAH5):c.8449-12T>C

Gene: DNAH5 (dynein axonemal heavy chain 5; minus strand). Cytogenetic location: 5p15.2.
Variant type: single nucleotide variant.
Coding change: c.8449-12T>C on transcript NM_001369.3 (MANE Select); 12 bases into the intron before coding-DNA position 8449, T replaced by C.
Molecular consequence: intron variant.
Genome position (GRCh38, 1-based): chr5:13,788,926, A>G on the plus strand (T>C on the coding strand, the complement: DNAH5 is on the minus strand). VCF-style: chr5-13788926-A-G. GRCh37 (hg19) VCF-style: chr5-13789035-A-G.
Identifiers: ClinVar variation 178746 (VCV000178746.25), dbSNP rs111313933, ClinGen allele CA182929.

ClinVar aggregate classification (germline): Benign/Likely benign. Review status: criteria provided, multiple submitters, no conflicts (2 of 4 stars). 9 submissions from 9 submitters: Benign (7); Likely benign (1). 1 of the submissions does not count toward it. Last evaluated 2026-02-04.

Conditions:
Primary ciliary dyskinesia. Also called: Ciliary dyskinesia. Identifiers: Orphanet 244, MedGen C0008780, MONDO:0016575, HP:0012265.
Primary ciliary dyskinesia 3. Identifiers: Orphanet 244, MedGen C1837618, MONDO:0012085, OMIM 608644.

Allele frequency attached by ClinVar (database versions not stated): 1000 Genomes Project 0.01138; 1000 Genomes Project 30x 0.01202; TOPMed 0.02132; ESP Exome Variant Server 0.02353; gnomAD 0.02453 and 0.02531; ExAC 0.02764.
gnomAD v4.1: 48,793 of 1,612,092 alleles (3%); highest among the groups gnomAD compares: Middle Eastern, 3.4%; 838 homozygotes.

Submissions (9):

Labcorp Genetics (formerly Invitae), Labcorp
Classification: Benign for Primary ciliary dyskinesia. Last evaluated: 2026-02-04. Review status: criteria provided, single submitter. Criteria: Invitae Variant Classification Sherloc (09022015). Collection method: clinical testing. Allele origin: germline.

Blueprint Genetics
Classification: Likely benign. Last evaluated: 2024-11-25. Review status: criteria provided, single submitter. Criteria: ACMG Guidelines, 2015. Collection method: clinical testing. Allele origin: germline.

Pars Genome Lab
Classification: Benign for Primary ciliary dyskinesia 3. Last evaluated: 2021-06-15. Review status: criteria provided, single submitter. Criteria: ACMG Guidelines, 2015. Collection method: clinical testing. Allele origin: germline. Affected: no.

GeneDx
Classification: Benign. Last evaluated: 2019-05-06. Review status: criteria provided, single submitter. Criteria: GeneDx Variant Classification Process June 2021. Collection method: clinical testing. Allele origin: germline. Affected: yes.

Illumina Laboratory Services, Illumina
Classification: Benign for Primary ciliary dyskinesia 3. Last evaluated: 2018-01-13. Review status: criteria provided, single submitter. Criteria: ICSL Variant Classification Criteria 13 December 2019. Collection method: clinical testing. Allele origin: germline.
Comment: This variant was observed in the ICSL laboratory as part of a predisposition screen in an ostensibly healthy population. It had not been previously curated by ICSL or reported in the Human Gene Mutation Database (HGMD: prior to June 1st, 2018), and was therefore a candidate for classification through an automated scoring system. Utilizing variant allele frequency, disease prevalence and penetrance estimates, and inheritance mode, an automated score was calculated to assess if this variant is too frequent to cause the disease. Based on the score and internal cut-off values, a variant classified as benign is not then subjected to further curation. The score for this variant resulted in a classification of benign for this disease.

Laboratory for Molecular Medicine, Mass General Brigham Personalized Medicine
Classification: Benign. Last evaluated: 2013-02-21. Review status: criteria provided, single submitter. Criteria: LMM Criteria. Collection method: clinical testing. Allele origin: germline. Observed: 6 variant alleles.
Comment: 8449-12T>C in intron 50 of DNAH5: This variant is not expected to have clinical significance because it has been identified in 3.3% (283/8600) of European Ameri can chromosomes from a broad population by the NHLBI Exome Sequencing Project (dbSNP rs111313933).

Breakthrough Genomics
Classification: Benign. Review status: criteria provided, single submitter. Criteria: ACMG Guidelines, 2015. Collection method: not provided. Allele origin: germline. Inheritance: Autosomal recessive inheritance. Affected: yes.

PreventionGenetics, part of Exact Sciences
Classification: Benign. Review status: criteria provided, single submitter. Criteria: ACMG Guidelines, 2015. Collection method: clinical testing. Allele origin: germline.

Counsyl
Classification: Benign for Primary ciliary dyskinesia 3. Last evaluated: 2017-03-06. Review status: no assertion criteria provided. Collection method: clinical testing. Allele origin: unknown. Not counted in ClinVar's aggregate classification.